The following is an entry in ClinVar:

ClinVar aggregate classification (germline): Uncertain significance. Review status: criteria provided, multiple submitters, no conflicts (2 of 4 stars). 5 submissions from 5 submitters: Uncertain significance (5). Last evaluated 2025-10-29.

Conditions:
Hereditary cancer-predisposing syndrome. Also called: Hereditary neoplastic syndrome; Neoplastic Syndromes, Hereditary; Hereditary Cancer Syndrome; Tumor predisposition. Identifiers: Orphanet 140162, MedGen C0027672, MeSH D009386, MONDO:0015356.
Familial melanoma. Also called: Hereditary melanoma; Hereditary cutaneous melanoma. Identifiers: Orphanet 618, MedGen C1512419, MONDO:0018961.
Melanoma and neural system tumor syndrome. Also called: MELANOMA-ASTROCYTOMA SYNDROME. Identifiers: Orphanet 252206, MedGen C1835042, MONDO:0007967, OMIM 155755.

Allele frequency attached by ClinVar (database versions not stated): TOPMed 0.00002.

Submissions (5):

Labcorp Genetics (formerly Invitae), Labcorp
Classification: Uncertain significance for Familial melanoma. Last evaluated: 2025-10-29. Review status: criteria provided, single submitter. Criteria: Invitae Variant Classification Sherloc (09022015). Collection method: clinical testing. Allele origin: germline.
Comment: This sequence change replaces arginine, which is basic and polar, with tryptophan, which is neutral and slightly polar, at codon 46 of the CDKN2A (p16INK4a) protein (p.Arg46Trp). This variant is not present in population databases (gnomAD no frequency). This variant has not been reported in the literature in individuals affected with CDKN2A (p16INK4a)-related conditions. ClinVar contains an entry for this variant (Variation ID: 573855). An algorithm developed to predict the effect of missense changes on protein structure and function (PolyPhen-2) suggests that this variant is likely to be disruptive. In summary, the available evidence is currently insufficient to determine the role of this variant in disease. Therefore, it has been classified as a Variant of Uncertain Significance.

Ambry Genetics
Classification: Uncertain significance for Hereditary cancer-predisposing syndrome. Last evaluated: 2025-05-07. Review status: criteria provided, single submitter. Criteria: Ambry Variant Classification Scheme 2023. Collection method: clinical testing. Allele origin: germline.
Comment: The p.R46W variant (also known as c.136C>T), located in coding exon 1 of the CDKN2A gene, results from a C to T substitution at nucleotide position 136. The arginine at codon 46 is replaced by tryptophan, an amino acid with dissimilar properties. This amino acid position is highly conserved in available vertebrate species. In addition, this alteration is predicted to be deleterious by in silico analysis. Based on the available evidence, the clinical significance of this variant remains unclear.

Quest Diagnostics Nichols Institute San Juan Capistrano
Classification: Uncertain significance. Last evaluated: 2025-02-14. Review status: criteria provided, single submitter. Criteria: Quest Diagnostics criteria. Collection method: clinical testing. Allele origin: unknown.
Comment: The CDKN2A c.136C>T (p.Arg46Trp, in p16 NM_000077.4) variant has not been reported in individuals with CDKN2A-related conditions in the published literature. It also has not been reported in large, multi-ethnic general populations (Genome Aggregation Database). Analysis of this variant using bioinformatics tools for the prediction of the effect of amino acid changes on protein structure and function yielded predictions that this variant is damaging. Based on the available information, we are unable to determine the clinical significance of this variant.

Baylor Genetics
Classification: Uncertain significance for Melanoma and neural system tumor syndrome. Last evaluated: 2023-10-17. Review status: criteria provided, single submitter. Criteria: ACMG Guidelines, 2015. Collection method: clinical testing. Allele origin: unknown.

Color Diagnostics, LLC DBA Color Health
Classification: Uncertain significance for Hereditary cancer-predisposing syndrome. Last evaluated: 2021-02-17. Review status: criteria provided, single submitter. Criteria: ACMG Guidelines, 2015. Collection method: clinical testing. Allele origin: germline.
Comment: This missense variant replaces arginine with tryptophan at codon 46 of the CDKN2A protein. Computational prediction is inconclusive regarding the impact of this variant on protein structure and function (internally defined REVEL score threshold 0.5 < inconclusive < 0.7, PMID: 27666373). To our knowledge, functional studies have not been reported for this variant. This variant has not been reported in individuals affected with hereditary cancer in the literature. This variant has not been identified in the general population by the Genome Aggregation Database (gnomAD). The available evidence is insufficient to determine the role of this variant in disease conclusively. Therefore, this variant is classified as a Variant of Uncertain Significance.

NM_000077.5(CDKN2A):c.136C>T (p.Arg46Trp)

Gene: CDKN2A (cyclin dependent kinase inhibitor 2A; minus strand). Cytogenetic location: 9p21.3.
Variant type: single nucleotide variant.
Coding change: c.136C>T on transcript NM_000077.5; coding-DNA position 136, C replaced by T.
Protein change: p.Arg46Trp; replaces arginine 46 with tryptophan.
Molecular consequence: missense variant (on NM_000077.6). On other transcripts: intron variant (2).
Genome position (GRCh38, 1-based): chr9:21,974,692, G>A on the plus strand (C>T on the coding strand, the complement: CDKN2A is on the minus strand). VCF-style: chr9-21974692-G-A. GRCh37 (hg19) VCF-style: chr9-21974691-G-A.
Other names: c.136C>T, p.Arg46Trp (NM_000077.6, NM_001195132.2, NM_058197.5); c.-3-3484C>T (NM_001363763.2); c.194-3484C>T (NM_058195.4); short protein forms R46W.
Identifiers: ClinVar variation 573855 (VCV000573855.19), dbSNP rs1563892516, ClinGen allele CA373086498.
Genomic context (GRCh38, chr9:21,974,692, plus strand): 5'-AGAGTCGCCCGCCATCCCCTGCTCCCGCTGCAGACCCTCTACCCACCTGGATCGGCCTCC[G>A]ACCGTAACTATTCGGTGCGTTGGGCAGCGCCCCCGCCTCCAGCAGCGCCCGCACCTCCTC-3'
Protein context (NP_000068.1, residues 36-56): ALPNAPNSYG[Arg46Trp]RPIQVMMMGS